The following is an entry in ClinVar:

ClinVar aggregate classification (germline): Likely pathogenic (1 of 4 stars; one submission).

Conditions:
Osteogenesis imperfecta type I (OI1). Also called: Lobstein's Disease; Lobstein disease; OI, TYPE I; OSTEOGENESIS IMPERFECTA TARDA; OSTEOGENESIS IMPERFECTA WITH BLUE SCLERAE; Osteogenesis imperfecta type 1. Identifiers: Orphanet 216796, Orphanet 666, MedGen C0023931, MONDO:0008146, OMIM 166200. Disease mechanism: loss of function.

Submission:

Labcorp Genetics (formerly Invitae), Labcorp
Classification: Likely pathogenic for Osteogenesis imperfecta type I. Last evaluated: 2023-12-18. Review status: criteria provided, single submitter. Criteria: Invitae Variant Classification Sherloc (09022015). Collection method: clinical testing. Allele origin: germline.
Comment: This sequence change affects a splice site in intron 26 of the COL1A1 gene. It is expected to disrupt RNA splicing. Variants that disrupt the donor or acceptor splice site typically lead to a loss of protein function (PMID: 16199547), and loss-of-function variants in COL1A1 are known to be pathogenic (PMID: 7942841, 9295084, 9443882). This variant is not present in population databases (gnomAD no frequency). This variant has not been reported in the literature in individuals affected with COL1A1-related conditions. Algorithms developed to predict the effect of sequence changes on RNA splicing suggest that this variant may disrupt the consensus splice site. In summary, the currently available evidence indicates that the variant is pathogenic, but additional data are needed to prove that conclusively. Therefore, this variant has been classified as Likely Pathogenic.

Literature cited by the submitters: PubMed 16199547; PubMed 7942841; PubMed 9295084; PubMed 9443882.

NM_000088.4(COL1A1):c.1821+1del

Gene: COL1A1 (collagen type I alpha 1 chain; minus strand). Cytogenetic location: 17q21.33.
Variant type: Deletion.
Coding change: c.1821+1del on transcript NM_000088.4 (MANE Select); the canonical splice donor site of the intron after coding-DNA position 1821, one base deleted (G; older notation c.1821+1delG).
Molecular consequence: splice donor variant.
Genome position (GRCh38, 1-based): chr17:50,192,993, C deleted on the plus strand (G on the coding strand, the reverse complement: COL1A1 is on the minus strand). VCF-style (leftmost placement, unchanged base first): chr17-50192992-AC-A. GRCh37 (hg19) VCF-style: chr17-48270353-AC-A.
Identifiers: ClinVar variation 2697480 (VCV002697480.3), dbSNP rs2509209389, ClinGen allele CA2697560407.